The following is an entry in ClinVar:

ClinVar aggregate classification (germline): Uncertain significance (1 of 4 stars; one submission).

Submission:

Ambry Genetics
Classification: Uncertain significance. Last evaluated: 2022-12-25. Review status: criteria provided, single submitter. Criteria: Ambry Variant Classification Scheme 2023. Collection method: clinical testing. Allele origin: germline.
Comment: The p.F696L variant (also known as c.2086T>C), located in coding exon 14 of the RINT1 gene, results from a T to C substitution at nucleotide position 2086. The phenylalanine at codon 696 is replaced by leucine, an amino acid with highly similar properties. This amino acid position is conserved. In addition, this alteration is predicted to be deleterious by in silico analysis. Since supporting evidence is limited at this time, the clinical significance of this alteration remains unclear.

NM_021930.6(RINT1):c.2086T>C (p.Phe696Leu)

Genes: EFCAB10 (EF-hand calcium binding domain 10; minus strand), RINT1 (RAD50 interactor 1; plus strand). Cytogenetic location: 7q22.3.
Variant type: single nucleotide variant.
Coding change: c.2086T>C on transcript NM_021930.6 (MANE Select); coding-DNA position 2086, T replaced by C.
Protein change: p.Phe696Leu; replaces phenylalanine 696 with leucine.
Molecular consequence: missense variant. On other transcripts: 3 prime UTR variant (1), non-coding transcript variant (1), intron variant (2).
Genome position (GRCh38, 1-based): chr7:105,565,548, T>C. VCF-style: chr7-105565548-T-C. GRCh37 (hg19) VCF-style: chr7-105205995-T-C.
Other names: c.*1A>G (NM_001355530.2); c.1852T>C, p.Phe618Leu (NM_001346599.2); c.1063T>C, p.Phe355Leu (NM_001346600.2, NM_001346603.2); c.1162T>C, p.Phe388Leu (NM_001346601.2); c.360-101A>G (NM_001355531.2); c.384-101A>G (NM_001355526.2); short protein forms F388L, F355L, F618L, F696L.
Identifiers: ClinVar variation 2448410 (VCV002448410.2), dbSNP rs1791682203, ClinGen allele CA368815075.